The following is an entry in ClinVar:

ClinVar aggregate classification (germline): Likely pathogenic (1 of 4 stars; one submission).

Conditions:
Neuromuscular disease caused by qualitative or quantitative defects of dystrophin. Also called: Qualitative or quantitative defects of dystrophin. Identifiers: Orphanet 207085, MedGen C5679787, MONDO:0016147.

Submission:

Women's Health and Genetics/Laboratory Corporation of America, LabCorp
Classification: Likely pathogenic for Neuromuscular disease caused by qualitative or quantitative defects of dystrophin. Last evaluated: 2023-02-08. Review status: criteria provided, single submitter. Criteria: LabCorp Variant Classification Summary - May 2015. Collection method: clinical testing. Allele origin: germline.
Comment: Variant summary: The variant identified by MLPA or other technology involves the duplication of exons 7-30 in the DMD gene. A presumed nomenclature of c.(530+1_531-1)_(4233+1_4234-1)dup has been designated for the purposes of this classification. It has been assumed that this is a tandem duplication in direct orientation (Richardson_GIM_2018, Newman_AJHG_2015). Although exact breakpoints of this duplication are not known, it is expected to result in a frameshift in the DMD gene, a known mechanism of disease. The variant was absent in 16120 control chromosomes (gnomAD, structural variants dataset). The available data on variant occurrences in the general population are insufficient to allow any conclusion about variant significance. To our knowledge, no occurrence of c.(530+1_531-1)_(4233+1_4234-1)dup in individuals affected with Dystrophinopathies and no experimental evidence demonstrating its impact on protein function have been reported. No clinical diagnostic laboratories have submitted clinical-significance assessments for this variant to ClinVar after 2014. Based on the evidence outlined above, the variant was classified as likely pathogenic.

NC_000023.10:g.(32408299_32429868)_(32827729_32834584)dup

Gene: DMD (dystrophin; minus strand). Cytogenetic location: Xp21.1.
Variant type: Duplication.
Identifiers: ClinVar variation 2445754 (VCV002445754.1).